The following is an entry in ClinVar:

ClinVar aggregate classification (germline): Conflicting classifications of pathogenicity. Review status: criteria provided, conflicting classifications (1 of 4 stars). 2 submissions from 2 submitters: Uncertain significance (1); Likely benign (1). Last evaluated 2022-12-01.

Conditions:
HNSHA due to aldolase A deficiency (GSD12). Also called: GLYCOGEN STORAGE DISEASE XII; Glycogen storage disease due to aldolase A deficiency; GSD XII; RED CELL ALDOLASE DEFICIENCY. Identifiers: Orphanet 57, MedGen C0272066, MONDO:0012747, OMIM 611881.

Allele frequency attached by ClinVar (database versions not stated): gnomAD 0.00001; gnomAD exomes 0.00001; ExAC 0.00002.
gnomAD v4.1: 57 of 1,614,052 alleles (0.0035%); highest among the groups gnomAD compares: Middle Eastern, 0.016%; no homozygotes.

Submissions (2):

CeGaT Center for Human Genetics Tuebingen
Classification: Uncertain significance. Last evaluated: 2022-12-01. Review status: criteria provided, single submitter. Criteria: CeGaT Center For Human Genetics Tuebingen Variant Classification Criteria Version 2. Collection method: clinical testing. Allele origin: germline. Affected: yes. Observed: 1 variant allele.
Comment: ALDOA: PM2:Supporting, BP4

Labcorp Genetics (formerly Invitae), Labcorp
Classification: Likely benign for HNSHA due to aldolase A deficiency. Last evaluated: 2022-05-03. Review status: criteria provided, single submitter. Criteria: Invitae Variant Classification Sherloc (09022015). Collection method: clinical testing. Allele origin: germline.

NM_001243177.4(ALDOA):c.1233C>T (p.Leu411=)

Genes: ALDOA (aldolase, fructose-bisphosphate A; plus strand), LOC112694756 (uncharaterized LOC112694756; plus strand). Cytogenetic location: 16p11.2.
Variant type: single nucleotide variant.
Coding change: c.1233C>T on transcript NM_001243177.4 (MANE Select); coding-DNA position 1233, C replaced by T.
Protein change: p.Leu411=; no amino-acid change (leucine 411 retained).
Molecular consequence: synonymous variant. On other transcripts: 3 prime UTR variant (3).
Genome position (GRCh38, 1-based): chr16:30,070,188, C>T. VCF-style: chr16-30070188-C-T. GRCh37 (hg19) VCF-style: chr16-30081509-C-T.
Other names: c.*1580C>T (NM_001365304.2, NM_001365305.2, NM_001365307.2); c.1071C>T, p.Leu357= (NM_001127617.2, NM_184041.5, NM_184043.2).
Identifiers: ClinVar variation 1147947 (VCV001147947.37), dbSNP rs3169548, ClinGen allele CA8001256.